The following is an entry in ClinVar:

NM_001184.4(ATR):c.764T>C (p.Leu255Pro)

Gene: ATR (ATR checkpoint kinase; minus strand). Cytogenetic location: 3q23.
Variant type: single nucleotide variant.
Coding change: c.764T>C on transcript NM_001184.4 (MANE Select); coding-DNA position 764, T replaced by C.
Protein change: p.Leu255Pro; replaces leucine 255 with proline.
Molecular consequence: missense variant.
Genome position (GRCh38, 1-based): chr3:142,562,638, A>G on the plus strand (T>C on the coding strand, the complement: ATR is on the minus strand). VCF-style: chr3-142562638-A-G. GRCh37 (hg19) VCF-style: chr3-142281480-A-G.
Other names: c.764T>C, p.Leu255Pro (NM_001354579.2); short protein forms L255P.
Identifiers: ClinVar variation 1759979 (VCV001759979.2), dbSNP rs2473427713, ClinGen allele CA354825630.

ClinVar aggregate classification (germline): Uncertain significance (1 of 4 stars; one submission).

Conditions:
Inborn genetic diseases. Identifiers: MedGen C0950123, MeSH D030342.

Submission:

Ambry Genetics
Classification: Uncertain significance for Inborn genetic diseases. Last evaluated: 2022-06-03. Review status: criteria provided, single submitter. Criteria: Ambry Variant Classification Scheme 2023. Collection method: clinical testing. Allele origin: germline.
Comment: The p.L255P variant (also known as c.764T>C), located in coding exon 4 of the ATR gene, results from a T to C substitution at nucleotide position 764. The leucine at codon 255 is replaced by proline, an amino acid with similar properties. This amino acid position is conserved. In addition, this alteration is predicted to be deleterious by in silico analysis. Since supporting evidence is limited at this time, the clinical significance of this alteration remains unclear.